The following is an entry in ClinVar:

ClinVar aggregate classification (germline): Uncertain significance (1 of 4 stars; one submission).

Submission:

Labcorp Genetics (formerly Invitae), Labcorp
Classification: Uncertain significance. Last evaluated: 2024-05-06. Review status: criteria provided, single submitter. Criteria: Invitae Variant Classification Sherloc (09022015). Collection method: clinical testing. Allele origin: germline.
Comment: This sequence change replaces valine, which is neutral and non-polar, with phenylalanine, which is neutral and non-polar, at codon 144 of the ACVR1 protein (p.Val144Phe). Information on the frequency of this variant in the gnomAD database is not available, as this variant may be reported differently in the database. This variant has not been reported in the literature in individuals affected with ACVR1-related conditions. Experimental studies and prediction algorithms are not available or were not evaluated, and the functional significance of this variant is currently unknown. In summary, the available evidence is currently insufficient to determine the role of this variant in disease. Therefore, it has been classified as a Variant of Uncertain Significance.

NM_001111067.4(ACVR1):c.429_430delinsTT (p.Val144Phe)

Gene: ACVR1 (activin A receptor type 1; minus strand). Cytogenetic location: 2q24.1.
Variant type: Indel.
Coding change: c.429_430delinsTT on transcript NM_001111067.4 (MANE Select); coding-DNA positions 429 to 430, AG replaced by TT.
Protein change: p.Val144Phe; replaces valine 144 with phenylalanine.
Molecular consequence: missense variant.
Genome position (GRCh38, 1-based): chr2:157,778,244-157,778,245, CT replaced by AA on the plus strand (AG replaced by TT on the coding strand, the reverse complement: ACVR1 is on the minus strand). VCF-style: chr2-157778244-CT-AA. GRCh37 (hg19) VCF-style: chr2-158634756-CT-AA.
Other names: c.429_430delinsTT, p.Val144Phe (NM_001105.5, NM_001347663.1, NM_001347664.1 and 3 more transcripts); short protein forms V144F.
Identifiers: ClinVar variation 3652271 (VCV003652271.2).